The following is an entry in ClinVar:

ClinVar aggregate classification (germline): Uncertain significance. Review status: criteria provided, single submitter (1 of 4 stars). 2 submissions from 2 submitters: Uncertain significance (1). 1 of the submissions does not count toward it. Last evaluated 2019-10-08.

Conditions:
CCDC88C-related disorder. Also called: CCDC88C-related condition; CCDC88C-Related Disorders.

Allele frequency attached by ClinVar (database versions not stated): TOPMed 0.00005; gnomAD exomes 0.00011; ExAC 0.00028.
gnomAD v4.1: 86 of 1,562,680 alleles (0.0055%); highest among the groups gnomAD compares: African/African-American, 0.0014%; no homozygotes.

Submissions (2):

GeneDx
Classification: Uncertain significance. Last evaluated: 2019-10-08. Review status: criteria provided, single submitter. Criteria: GeneDx Variant Classification Process June 2021. Collection method: clinical testing. Allele origin: germline. Affected: yes.
Comment: In silico analysis, which includes protein predictors and evolutionary conservation, supports that this variant does not alter protein structure/function; Has not been previously published as pathogenic or benign to our knowledge

PreventionGenetics, part of Exact Sciences
Classification: Likely benign for CCDC88C-related condition. Last evaluated: 2024-08-29. Review status: no assertion criteria provided. Collection method: clinical testing. Allele origin: germline. Not counted in ClinVar's aggregate classification.
Comment: This variant is classified as likely benign based on ACMG/AMP sequence variant interpretation guidelines (Richards et al. 2015 PMID: 25741868, with internal and published modifications).

NM_001080414.4(CCDC88C):c.5626C>G (p.Pro1876Ala)

Gene: CCDC88C (coiled-coil domain containing 88C; minus strand). Cytogenetic location: 14q32.11.
Variant type: single nucleotide variant.
Coding change: c.5626C>G on transcript NM_001080414.4 (MANE Select); coding-DNA position 5626, C replaced by G.
Protein change: p.Pro1876Ala; replaces proline 1876 with alanine.
Molecular consequence: missense variant.
Genome position (GRCh38, 1-based): chr14:91,273,086, G>C on the plus strand (C>G on the coding strand, the complement: CCDC88C is on the minus strand). VCF-style: chr14-91273086-G-C. GRCh37 (hg19) VCF-style: chr14-91739430-G-C.
Other names: short protein forms P1876A.
Identifiers: ClinVar variation 1207636 (VCV001207636.4), dbSNP rs771761723, ClinGen allele CA7308623.
Genomic context (GRCh38, chr14:91,273,086, plus strand): 5'-GCCTCTCCTCCTTTGGGGGAGCCAGGGAGAAGCGCCTCGTGTCCAGCGGCCGGCTGCGGG[G>C]ACCTGGGCCCTGACAGGAGCTGCCAGCCTTTCCCACAAGTGGGGTCCGCTCCCGGGCCAG-3'
Protein context (NP_001073883.2, residues 1866-1886): KAGSSCQGPG[Pro1876Ala]RSRPLDTRRF